The following is an entry in ClinVar:

NM_001942.4(DSG1):c.1376A>G (p.Lys459Arg)

Gene: DSG1 (desmoglein 1; plus strand). Cytogenetic location: 18q12.1.
Variant type: single nucleotide variant.
Coding change: c.1376A>G on transcript NM_001942.4 (MANE Select); coding-DNA position 1376, A replaced by G.
Protein change: p.Lys459Arg; replaces lysine 459 with arginine.
Molecular consequence: missense variant.
Genome position (GRCh38, 1-based): chr18:31,338,425, A>G. VCF-style: chr18-31338425-A-G. GRCh37 (hg19) VCF-style: chr18-28918388-A-G.
Other names: short protein forms K459R.
Identifiers: ClinVar variation 1957120 (VCV001957120.5), dbSNP rs2071768589, ClinGen allele CA402136406.

ClinVar aggregate classification (germline): Uncertain significance (1 of 4 stars; one submission).

Allele frequency attached by ClinVar (database versions not stated): gnomAD exomes 0.00001.
gnomAD v4.1: 5 of 1,613,692 alleles (0.00031%); highest among the groups gnomAD compares: South Asian, 0.0022%; no homozygotes.

Submission:

Labcorp Genetics (formerly Invitae), Labcorp
Classification: Uncertain significance. Last evaluated: 2024-11-29. Review status: criteria provided, single submitter. Criteria: Invitae Variant Classification Sherloc (09022015). Collection method: clinical testing. Allele origin: germline.
Comment: This sequence change replaces lysine, which is basic and polar, with arginine, which is basic and polar, at codon 459 of the DSG1 protein (p.Lys459Arg). This variant is not present in population databases (gnomAD no frequency). This variant has not been reported in the literature in individuals affected with DSG1-related conditions. ClinVar contains an entry for this variant (Variation ID: 1957120). Invitae Evidence Modeling of protein sequence and biophysical properties (such as structural, functional, and spatial information, amino acid conservation, physicochemical variation, residue mobility, and thermodynamic stability) indicates that this missense variant is not expected to disrupt DSG1 protein function with a negative predictive value of 80%. In summary, the available evidence is currently insufficient to determine the role of this variant in disease. Therefore, it has been classified as a Variant of Uncertain Significance.